The following is an entry in ClinVar:

ClinVar aggregate classification (germline): Uncertain significance (1 of 4 stars; one submission).

Submission:

GeneDx
Classification: Uncertain significance. Last evaluated: 2026-10-18. Review status: criteria provided, single submitter. Criteria: GeneDx Variant Classification Process June 2021. Collection method: clinical testing. Allele origin: germline.
Comment: Not observed at significant frequency in large population cohorts (gnomAD); In silico analysis suggests that this missense variant does not alter protein structure/function; Has not been previously published as pathogenic or benign to our knowledge

NM_005898.5(CAPRIN1):c.1141G>C (p.Glu381Gln)

Gene: CAPRIN1 (cell cycle associated protein 1; plus strand). Cytogenetic location: 11p13.
Variant type: single nucleotide variant.
Coding change: c.1141G>C on transcript NM_005898.5 (MANE Select); coding-DNA position 1141, G replaced by C.
Protein change: p.Glu381Gln; replaces glutamic acid 381 with glutamine.
Molecular consequence: missense variant.
Genome position (GRCh38, 1-based): chr11:34,086,323, G>C. VCF-style: chr11-34086323-G-C. GRCh37 (hg19) VCF-style: chr11-34107870-G-C.
Other names: c.1141G>C, p.Glu381Gln (NM_203364.3); short protein forms E381Q.
Identifiers: ClinVar variation 4686390 (VCV004686390.2).